The following is an entry in ClinVar:

ClinVar aggregate classification (germline): Uncertain significance (1 of 4 stars; one submission).

Submission:

GeneDx
Classification: Uncertain significance. Last evaluated: 2026-04-09. Review status: criteria provided, single submitter. Criteria: GeneDx Variant Classification Process June 2021. Collection method: clinical testing. Allele origin: germline.
Comment: Not observed at significant frequency in large population cohorts (gnomAD); In silico analysis supports that this missense variant has a deleterious effect on protein structure/function; Has not been previously published as pathogenic or benign to our knowledge; In silico analysis suggests this variant may impact gene splicing. In the absence of RNA/functional studies, the actual effect of this sequence change is unknown.

NM_001394062.1(MACF1):c.20417A>G (p.Lys6806Arg)

Gene: MACF1 (microtubule actin crosslinking factor 1; plus strand). Cytogenetic location: 1p34.3.
Variant type: single nucleotide variant.
Coding change: c.20417A>G on transcript NM_001394062.1 (MANE Select); coding-DNA position 20417, A replaced by G.
Protein change: p.Lys6806Arg; replaces lysine 6806 with arginine.
Molecular consequence: missense variant.
Genome position (GRCh38, 1-based): chr1:39,451,210, A>G. VCF-style: chr1-39451210-A-G. GRCh37 (hg19) VCF-style: chr1-39916882-A-G.
Other names: c.8495A>G, p.Lys2832Arg (NM_001397473.1); c.14240A>G, p.Lys4747Arg (NM_012090.5); short protein forms K2832R, K4747R, K6806R.
Identifiers: ClinVar variation 5018392 (VCV005018392.1).